The following is an entry in ClinVar:

NM_000052.7(ATP7A):c.1516A>G (p.Ile506Val)

Gene: ATP7A (ATPase copper transporting alpha; plus strand). Cytogenetic location: Xq21.1.
Variant type: single nucleotide variant.
Coding change: c.1516A>G on transcript NM_000052.7 (MANE Select); coding-DNA position 1516, A replaced by G.
Protein change: p.Ile506Val; replaces isoleucine 506 with valine.
Molecular consequence: missense variant.
Genome position (GRCh38, 1-based): chrX:77,998,657, A>G. VCF-style: chrX-77998657-A-G. GRCh37 (hg19) VCF-style: chrX-77254154-A-G.
Other names: p.Ile506Val; c.1516A>G, p.Ile506Val (NM_001282224.2); short protein forms I506V.
Identifiers: ClinVar variation 210393 (VCV000210393.71), dbSNP rs143907597, ClinGen allele CA206236.

ClinVar aggregate classification (germline): Conflicting classifications of pathogenicity. Review status: criteria provided, conflicting classifications (1 of 4 stars). 11 submissions from 11 submitters: Uncertain significance (1); Benign (5); Likely benign (1). 4 of the submissions do not count toward it. Last evaluated 2026-02-03.

Conditions:
Inborn genetic diseases. Identifiers: MedGen C0950123, MeSH D030342.
Ehlers-Danlos syndrome (EDS). Identifiers: Orphanet 98249, MedGen C0013720, MONDO:0020066.
Menkes kinky-hair syndrome (MNK). Also called: Menkes Disease; Copper transport disease; Classic Menkes Disease. Identifiers: Orphanet 565, MedGen C0022716, MONDO:0010651, OMIM 309400.
Cutis laxa, X-linked (OHS). Also called: EDS IX; Occipital horn syndrome. Identifiers: Orphanet 198, MedGen C0268353, MONDO:0010572, OMIM 304150.
X-linked distal spinal muscular atrophy type 3. Also called: SPINAL MUSCULAR ATROPHY, DISTAL, X-LINKED RECESSIVE; NEURONOPATHY, DISTAL HEREDITARY MOTOR, X-LINKED; NEUROPATHY, DISTAL HEREDITARY MOTOR, X-LINKED; ATP7A-Related Distal Motor Neuropathy. Identifiers: Orphanet 139557, MedGen C1845359, MONDO:0010338, OMIM 300489.

Allele frequency attached by ClinVar (database versions not stated): gnomAD exomes 0.00197 and 0.00073; ExAC 0.00260; gnomAD 0.00716 and 0.00750; TOPMed 0.00806; ESP Exome Variant Server 0.00928; 1000 Genomes Project 0.01086; 1000 Genomes Project 30x 0.01165.
gnomAD v4.1: 1,631 of 1,210,253 alleles (0.13%); highest among the groups gnomAD compares: African/African-American, 2.5%; 20 homozygotes.

Submissions (11):

Labcorp Genetics (formerly Invitae), Labcorp
Classification: Benign for X-linked distal spinal muscular atrophy type 3; Cutis laxa, X-linked; Menkes kinky-hair syndrome. Last evaluated: 2026-02-03. Review status: criteria provided, single submitter. Criteria: Invitae Variant Classification Sherloc (09022015). Collection method: clinical testing. Allele origin: germline.

ARUP Laboratories, Molecular Genetics and Genomics, ARUP Laboratories
Classification: Benign. Last evaluated: 2024-06-28. Review status: criteria provided, single submitter. Criteria: ARUP Molecular Germline Variant Investigation Process 2024. Collection method: clinical testing. Allele origin: germline.

Genome Diagnostics Laboratory, The Hospital for Sick Children
Classification: Likely benign for Ehlers-Danlos syndrome. Last evaluated: 2020-07-01. Review status: criteria provided, single submitter. Criteria: ACMG Guidelines, 2015. Collection method: clinical testing. Allele origin: germline.

Mayo Clinic Laboratories, Mayo Clinic
Classification: Benign. Last evaluated: 2019-10-30. Review status: criteria provided, single submitter. Criteria: ACMG Guidelines, 2015. Collection method: clinical testing. Allele origin: germline. Observed: 9 variant alleles.

Ambry Genetics
Classification: Benign for Inborn genetic diseases. Last evaluated: 2016-11-04. Review status: criteria provided, single submitter. Criteria: Ambry Variant Classification Scheme 2023. Collection method: clinical testing. Allele origin: germline.

GeneDx
Classification: Benign. Last evaluated: 2015-06-18. Review status: criteria provided, single submitter. Criteria: GeneDx Variant Classification (06012015). Collection method: clinical testing. Allele origin: germline. Affected: yes.
Comment: This variant is considered likely benign or benign based on one or more of the following criteria: it is a conservative change, it occurs at a poorly conserved position in the protein, it is predicted to be benign by multiple in silico algorithms, and/or has population frequency not consistent with disease.

Genetic Services Laboratory, University of Chicago
Classification: Uncertain significance. Last evaluated: 2013-02-08. Review status: criteria provided, single submitter. Criteria: ACMG Guidelines, 2007. Collection method: clinical testing. Allele origin: germline.

Natera, Inc.
Classification: Benign for Menkes kinky hair syndrome. Last evaluated: 2019-11-11. Review status: no assertion criteria provided. Collection method: clinical testing. Allele origin: germline. Not counted in ClinVar's aggregate classification.

Clinical Genetics, Academic Medical Center
Classification: Benign. Review status: no assertion criteria provided. Collection method: clinical testing. Allele origin: germline. Affected: yes. Study: VKGL Data-share Consensus. Not counted in ClinVar's aggregate classification.

Diagnostic Laboratory, Department of Genetics, University Medical Center Groningen
Classification: Benign. Review status: no assertion criteria provided. Collection method: clinical testing. Allele origin: germline. Affected: yes. Study: VKGL Data-share Consensus. Not counted in ClinVar's aggregate classification.

Laboratory of Diagnostic Genome Analysis, Leiden University Medical Center (LUMC)
Classification: Likely benign. Review status: no assertion criteria provided. Collection method: clinical testing. Allele origin: germline. Affected: yes. Study: VKGL Data-share Consensus. Not counted in ClinVar's aggregate classification.